The following is an entry in ClinVar:

ClinVar aggregate classification (germline): Conflicting classifications of pathogenicity. Review status: criteria provided, conflicting classifications (1 of 4 stars). 3 submissions from 3 submitters: Likely pathogenic (1); Uncertain significance (2). Last evaluated 2026-06-25.

Conditions:
DOCK6-related disorder. Also called: DOCK6-related condition.

Allele frequency attached by ClinVar (database versions not stated): gnomAD 0.00001; TOPMed 0.00001; ExAC 0.00003; 1000 Genomes Project 30x 0.00016; 1000 Genomes Project 0.00020.
gnomAD v4.1: 24 of 1,611,204 alleles (0.0015%); highest among the groups gnomAD compares: African/African-American, 0.004%; no homozygotes.

Submissions (3):

PreventionGenetics, part of Exact Sciences
Classification: Likely pathogenic for DOCK6-related condition. Last evaluated: 2026-06-25. Review status: criteria provided, single submitter. Criteria: ACMG Guidelines, 2015. Collection method: clinical testing. Allele origin: germline.
Comment: The DOCK6 c.4849G>A variant is predicted to result in the amino acid substitution p.Ala1617Thr. This variant has been reported in the compound heterozygous state in an individual with Adams-Oliver Syndrome (Jourdain et al. 2020. PubMed ID: 31502745). This variant is reported in 0.010% of alleles in individuals of Ashkenazi Jewish descent in gnomAD. This variant is interpreted as likely pathogenic.

GeneDx
Classification: Uncertain significance. Last evaluated: 2026-03-31. Review status: criteria provided, single submitter. Criteria: GeneDx Variant Classification Process June 2021. Collection method: clinical testing. Allele origin: germline.
Comment: In silico analysis supports that this missense variant has a deleterious effect on protein structure/function; This variant is associated with the following publications: (PMID: 34426522, 31502745)

Labcorp Genetics (formerly Invitae), Labcorp
Classification: Uncertain significance. Last evaluated: 2022-09-07. Review status: criteria provided, single submitter. Criteria: Invitae Variant Classification Sherloc (09022015). Collection method: clinical testing. Allele origin: germline.
Comment: In summary, the available evidence is currently insufficient to determine the role of this variant in disease. Therefore, it has been classified as a Variant of Uncertain Significance. Algorithms developed to predict the effect of missense changes on protein structure and function are either unavailable or do not agree on the potential impact of this missense change (SIFT: "Deleterious"; PolyPhen-2: "Probably Damaging"; Align-GVGD: "Class C0"). This missense change has been observed in individual(s) with clinical features of Adams-Oliver syndrome (PMID: 31502745). The frequency data for this variant in the population databases is considered unreliable, as metrics indicate poor data quality at this position in the gnomAD database. This sequence change replaces alanine, which is neutral and non-polar, with threonine, which is neutral and polar, at codon 1617 of the DOCK6 protein (p.Ala1617Thr).

Literature cited by the submitters: PubMed 31502745 (cited by Labcorp Genetics (formerly Invitae), Labcorp).

NM_020812.4(DOCK6):c.4849G>A (p.Ala1617Thr)

Genes: DOCK6 (dedicator of cytokinesis 6; minus strand), DOCK6-AS1 (DOCK6 antisense RNA 1; plus strand). Cytogenetic location: 19p13.2.
Variant type: single nucleotide variant.
Coding change: c.4849G>A on transcript NM_020812.4 (MANE Select); coding-DNA position 4849, G replaced by A.
Protein change: p.Ala1617Thr; replaces alanine 1617 with threonine.
Molecular consequence: missense variant.
Genome position (GRCh38, 1-based): chr19:11,209,006, C>T on the plus strand (G>A on the coding strand, the complement: DOCK6 is on the minus strand). VCF-style: chr19-11209006-C-T. GRCh37 (hg19) VCF-style: chr19-11319682-C-T.
Other names: c.4849G>A (NM_020812.3); c.4954G>A, p.Ala1652Thr (NM_001367830.1); short protein forms A1652T, A1617T.
Identifiers: ClinVar variation 2067739 (VCV002067739.5), dbSNP rs537542258, ClinGen allele CA9206717.